The following is an entry in ClinVar:

NM_032380.5(GFM2):c.2062C>G (p.Pro688Ala)

Gene: GFM2 (GTP dependent ribosome recycling factor mitochondrial 2; minus strand). Cytogenetic location: 5q13.3.
Variant type: single nucleotide variant.
Coding change: c.2062C>G on transcript NM_032380.5 (MANE Select); coding-DNA position 2062, C replaced by G.
Protein change: p.Pro688Ala; replaces proline 688 with alanine.
Molecular consequence: missense variant. On other transcripts: non-coding transcript variant (1).
Genome position (GRCh38, 1-based): chr5:74,722,528, G>C on the plus strand (C>G on the coding strand, the complement: GFM2 is on the minus strand). VCF-style: chr5-74722528-G-C. GRCh37 (hg19) VCF-style: chr5-74018353-G-C.
Other names: c.2158C>G, p.Pro720Ala (NM_001281302.2); c.1921C>G, p.Pro641Ala (NM_170691.3); short protein forms P720A, P641A, P688A.
Identifiers: ClinVar variation 2063813 (VCV002063813.4), dbSNP rs2478790229, ClinGen allele CA360074208.

ClinVar aggregate classification (germline): Uncertain significance (1 of 4 stars; one submission).

Allele frequency attached by ClinVar (database versions not stated): gnomAD exomes below 0.00001.
gnomAD v4.1: 1 of 1,613,156 alleles (0.000062%); highest among the groups gnomAD compares: Non-Finnish European, 0.000085%; no homozygotes.

Submission:

Labcorp Genetics (formerly Invitae), Labcorp
Classification: Uncertain significance. Last evaluated: 2025-04-21. Review status: criteria provided, single submitter. Criteria: Invitae Variant Classification Sherloc (09022015). Collection method: clinical testing. Allele origin: germline.
Comment: This sequence change replaces proline, which is neutral and non-polar, with alanine, which is neutral and non-polar, at codon 688 of the GFM2 protein (p.Pro688Ala). This variant is not present in population databases (gnomAD no frequency). This variant has not been reported in the literature in individuals affected with GFM2-related conditions. ClinVar contains an entry for this variant (Variation ID: 2063813). Invitae Evidence Modeling of protein sequence and biophysical properties (such as structural, functional, and spatial information, amino acid conservation, physicochemical variation, residue mobility, and thermodynamic stability) indicates that this missense variant is expected to disrupt GFM2 protein function with a positive predictive value of 80%. In summary, the available evidence is currently insufficient to determine the role of this variant in disease. Therefore, it has been classified as a Variant of Uncertain Significance.